The following is an entry in ClinVar:

ClinVar aggregate classification (germline): Uncertain significance (1 of 4 stars; one submission).

Conditions:
Hereditary cancer-predisposing syndrome. Also called: Hereditary Cancer Syndrome; Hereditary neoplastic syndrome; Neoplastic Syndromes, Hereditary; Tumor predisposition. Identifiers: Orphanet 140162, MedGen C0027672, MeSH D009386, MONDO:0015356.

gnomAD v4.1: 1 of 1,613,758 alleles (0.000062%); highest among the groups gnomAD compares: Non-Finnish European, 0.000085%; no homozygotes.

Submission:

Ambry Genetics
Classification: Uncertain significance for Hereditary cancer-predisposing syndrome. Last evaluated: 2022-06-06. Review status: criteria provided, single submitter. Criteria: Ambry Variant Classification Scheme 2023. Collection method: clinical testing. Allele origin: germline.
Comment: The p.Y1854C variant (also known as c.5561A>G), located in coding exon 15 of the APC gene, results from an A to G substitution at nucleotide position 5561. The tyrosine at codon 1854 is replaced by cysteine, an amino acid with highly dissimilar properties. This amino acid position is conserved. In addition, in silico predictors for this gene do not accurately predict pathogenicity. Since supporting evidence is limited at this time, the clinical significance of this alteration remains unclear.

NM_000038.6(APC):c.5561A>G (p.Tyr1854Cys)

Gene: APC (APC regulator of Wnt signaling pathway; plus strand). Cytogenetic location: 5q22.2.
Variant type: single nucleotide variant.
Coding change: c.5561A>G on transcript NM_000038.6 (MANE Select); coding-DNA position 5561, A replaced by G.
Protein change: p.Tyr1854Cys; replaces tyrosine 1854 with cysteine.
Molecular consequence: missense variant.
Genome position (GRCh38, 1-based): chr5:112,841,155, A>G. VCF-style: chr5-112841155-A-G. GRCh37 (hg19) VCF-style: chr5-112176852-A-G.
Other names: c.5561A>G, p.Tyr1854Cys (NM_001127510.3, NM_001354895.2, NM_001407450.1); c.5507A>G, p.Tyr1836Cys (NM_001127511.3); c.5615A>G, p.Tyr1872Cys (NM_001354896.2, NM_001407447.1, NM_001407448.1 and 1 more transcripts); c.5591A>G, p.Tyr1864Cys (NM_001354897.2); c.5486A>G, p.Tyr1829Cys (NM_001354898.2); c.5477A>G, p.Tyr1826Cys (NM_001354899.2); c.5438A>G, p.Tyr1813Cys (NM_001354900.2); c.5384A>G, p.Tyr1795Cys (NM_001354901.2, NM_001407453.1); and 11 more; short protein forms Y1470C, Y1694C, Y1725C, Y1753C, Y1771C, Y1795C, Y1872C, Y1728C.
Identifiers: ClinVar variation 1748312 (VCV001748312.2), dbSNP rs2149943277, ClinGen allele CA16033498.